The following is an entry in ClinVar:

NM_012463.3(ATP6V0A2):c.-511T>A

Gene: ATP6V0A2 (ATPase H+ transporting V0 subunit a2; plus strand). Cytogenetic location: 12q24.31.
Variant type: single nucleotide variant.
Coding change: c.-511T>A on transcript NM_012463.3; 511 bases upstream of the start codon, T replaced by A.
Genome position (GRCh38, 1-based): chr12:123,712,055, T>A. VCF-style: chr12-123712055-T-A. GRCh37 (hg19) VCF-style: chr12-124196602-T-A.
Identifiers: ClinVar variation 669870 (VCV000669870.3), dbSNP rs767739299, ClinGen allele CA245174703.
Genomic context (GRCh38, chr12:123,712,055, plus strand): 5'-CGAGATCGCGCTACTGCACTCCAGCCTGTGGGACTGCGTGAGATTCCGTTTCTCTCTCTC[T>A]CTCTCTCACACACACACACACACACACACGCAGCAGCACAGGGTCGTGCACTAGGAACGG-3'

ClinVar aggregate classification (germline): Likely benign (1 of 4 stars; one submission).

Allele frequency attached by ClinVar (database versions not stated): gnomAD 0.02519 and 0.02477.

Submission:

GeneDx
Classification: Likely benign. Last evaluated: 2018-06-14. Review status: criteria provided, single submitter. Criteria: GeneDx Variant Classification (06012015). Collection method: clinical testing. Allele origin: germline. Affected: yes.
Comment: This variant is considered likely benign or benign based on one or more of the following criteria: it is a conservative change, it occurs at a poorly conserved position in the protein, it is predicted to be benign by multiple in silico algorithms, and/or has population frequency not consistent with disease.